The following is an entry in ClinVar:

NM_002528.7(NTHL1):c.681C>T (p.Gly227=)

Gene: NTHL1 (nth like DNA glycosylase 1; minus strand). Cytogenetic location: 16p13.3.
Variant type: single nucleotide variant.
Coding change: c.681C>T on transcript NM_002528.7 (MANE Select); coding-DNA position 681, C replaced by T.
Protein change: p.Gly227=; no amino-acid change (glycine 227 retained).
Molecular consequence: synonymous variant.
Genome position (GRCh38, 1-based): chr16:2,043,571, G>A on the plus strand (C>T on the coding strand, the complement: NTHL1 is on the minus strand). VCF-style: chr16-2043571-G-A. GRCh37 (hg19) VCF-style: chr16-2093572-G-A.
Other names: c.351C>T, p.Gly117= (NM_001318194.2); c.510C>T, p.Gly170= (NM_001318193.2).
Identifiers: ClinVar variation 766469 (VCV000766469.12), dbSNP rs1596219238, ClinGen allele CA492951615.

ClinVar aggregate classification (germline): Conflicting classifications of pathogenicity. Review status: criteria provided, conflicting classifications (1 of 4 stars). 2 submissions from 2 submitters: Uncertain significance (1); Likely benign (1). Last evaluated 2024-08-22.

Conditions:
Hereditary cancer-predisposing syndrome. Also called: Tumor predisposition; Neoplastic Syndromes, Hereditary; Hereditary Cancer Syndrome; Hereditary neoplastic syndrome. Identifiers: Orphanet 140162, MedGen C0027672, MeSH D009386, MONDO:0015356.

Allele frequency attached by ClinVar (database versions not stated): gnomAD exomes below 0.00001.
gnomAD v4.1: 1 of 1,606,914 alleles (0.000062%); highest among the groups gnomAD compares: Non-Finnish European, 0.000085%; no homozygotes.

Submissions (2):

Ambry Genetics
Classification: Uncertain significance for Hereditary cancer-predisposing syndrome. Last evaluated: 2024-08-22. Review status: criteria provided, single submitter. Criteria: Ambry Variant Classification Scheme 2023. Collection method: clinical testing. Allele origin: germline.
Comment: The c.705C>T variant (also known as p.G235G), located in coding exon 4 of the NTHL1 gene. This variant results from a C to T substitution at nucleotide position 705. This nucleotide substitution does not change the amino acid at codon 235. This nucleotide position is well conserved in available vertebrate species. In silico splice site analysis predicts that this alteration will result in the creation or strengthening of a novel splice donor site. Based on the available evidence, the clinical significance of this variant remains unclear.

Labcorp Genetics (formerly Invitae), Labcorp
Classification: Likely benign. Last evaluated: 2024-01-08. Review status: criteria provided, single submitter. Criteria: Invitae Variant Classification Sherloc (09022015). Collection method: clinical testing. Allele origin: germline.